The following is an entry in ClinVar:

NM_173651.4(FSIP2):c.16861A>T (p.Lys5621Ter)

Gene: FSIP2 (fibrous sheath interacting protein 2; plus strand). Cytogenetic location: 2q32.1.
Variant type: single nucleotide variant.
Coding change: c.16861A>T on transcript NM_173651.4 (MANE Select); coding-DNA position 16861, A replaced by T.
Protein change: p.Lys5621Ter; replaces lysine 5621 with a stop codon.
Molecular consequence: nonsense.
Genome position (GRCh38, 1-based): chr2:185,806,167, A>T. VCF-style: chr2-185806167-A-T. GRCh37 (hg19) VCF-style: chr2-186670894-A-T.
Other names: short protein forms K5621*.
Identifiers: ClinVar variation 5006173 (VCV005006173.2).

ClinVar aggregate classification (germline): Likely pathogenic (1 of 4 stars; one submission).

Conditions:
Spermatogenic failure 34. Identifiers: MedGen C4748403, MONDO:0029148, OMIM 618153.

gnomAD v4.1: 1 of 1,583,316 alleles (0.000063%); highest among the groups gnomAD compares: African/African-American, 0.0014%; no homozygotes.

Submission:

Juno Genomics, Hangzhou Juno Genomics, Inc
Classification: Likely pathogenic for Spermatogenic failure 34. Review status: criteria provided, single submitter. Criteria: ACMG Guidelines, 2015. Collection method: clinical testing. Allele origin: germline.
Comment: Null variant in a gene where loss of function (LOF) is a known mechanism of disease.;Absent from controls (or at extremely low frequency if recessive) in Genome Aggregation Database.